The following is an entry in ClinVar:

NM_001017995.3(SH3PXD2B):c.*171G>A

Gene: SH3PXD2B (SH3 and PX domains 2B; minus strand). Cytogenetic location: 5q35.1.
Variant type: single nucleotide variant.
Coding change: c.*171G>A on transcript NM_001017995.3 (MANE Select); 171 bases downstream of the stop codon, G replaced by A.
Molecular consequence: 3 prime UTR variant. On other transcripts: intron variant (1).
Genome position (GRCh38, 1-based): chr5:172,338,198, C>T on the plus strand (G>A on the coding strand, the complement: SH3PXD2B is on the minus strand). VCF-style: chr5-172338198-C-T. GRCh37 (hg19) VCF-style: chr5-171765202-C-T.
Other names: c.1188+7938G>A (NM_001308175.2).
Identifiers: ClinVar variation 906262 (VCV000906262.4), dbSNP rs187872276, ClinGen allele CA132182194.

ClinVar aggregate classification (germline): Likely benign (1 of 4 stars; one submission).

Conditions:
Frank-Ter Haar syndrome. Also called: Borrone di Rocco Crovato syndrome; TER HAAR SYNDROME; MELNICK-NEEDLES SYNDROME, AUTOSOMAL RECESSIVE; BORRONE DERMATOCARDIOSKELETAL SYNDROME. Identifiers: Orphanet 1266, Orphanet 137834, MedGen C1855305, MONDO:0009579, OMIM 249420.

Allele frequency attached by ClinVar (database versions not stated): TOPMed 0.00028; gnomAD exomes 0.00031; gnomAD 0.00034 and 0.00044; 1000 Genomes Project 30x 0.00062; 1000 Genomes Project 0.00080.
gnomAD v4.1: 510 of 1,501,634 alleles (0.034%); highest among the groups gnomAD compares: East Asian, 0.27%; 3 homozygotes.

Submission:

Illumina Laboratory Services, Illumina
Classification: Likely benign for Frank-Ter Haar syndrome. Last evaluated: 2018-01-12. Review status: criteria provided, single submitter. Criteria: ICSL Variant Classification Criteria 13 December 2019. Collection method: clinical testing. Allele origin: germline.
Comment: This variant was observed in the ICSL laboratory as part of a predisposition screen in an ostensibly healthy population. It had not been previously curated by ICSL or reported in the Human Gene Mutation Database (HGMD: prior to June 1st, 2018), and was therefore a candidate for classification through an automated scoring system. Utilizing variant allele frequency, disease prevalence and penetrance estimates, and inheritance mode, an automated score was calculated to assess if this variant is too frequent to cause the disease. Based on the score and internal cut-off values, a variant classified as likely benign is not then subjected to further curation. The score for this variant resulted in a classification of likely benign for this disease.